The following is an entry in ClinVar:

NM_130468.4(CHST14):c.763G>C (p.Gly255Arg)

Gene: CHST14 (carbohydrate sulfotransferase 14; plus strand). Cytogenetic location: 15q15.1.
Variant type: single nucleotide variant.
Coding change: c.763G>C on transcript NM_130468.4 (MANE Select); coding-DNA position 763, G replaced by C.
Protein change: p.Gly255Arg; replaces glycine 255 with arginine.
Molecular consequence: missense variant.
Genome position (GRCh38, 1-based): chr15:40,471,976, G>C. VCF-style: chr15-40471976-G-C. GRCh37 (hg19) VCF-style: chr15-40764175-G-C.
Other names: short protein forms G255R.
Identifiers: ClinVar variation 1471370 (VCV001471370.8), dbSNP rs2141571079, ClinGen allele CA391766932.

ClinVar aggregate classification (germline): Uncertain significance (1 of 4 stars; one submission).

Conditions:
Ehlers-Danlos syndrome, musculocontractural type (EDSMC). Also called: DUNDAR SYNDROME; Adducted thumb, clubfoot, progressive joint and skin laxity syndrome; ARTHROGRYPOSIS, DISTAL, WITH PECULIAR FACIES AND HYDRONEPHROSIS; ADDUCTED THUMB-CLUBFOOT SYNDROME. Identifiers: Orphanet 2953, MedGen C1866294, MONDO:0011142.

Submission:

Labcorp Genetics (formerly Invitae), Labcorp
Classification: Uncertain significance for Ehlers-Danlos syndrome, musculocontractural type. Last evaluated: 2023-10-03. Review status: criteria provided, single submitter. Criteria: Invitae Variant Classification Sherloc (09022015). Collection method: clinical testing. Allele origin: germline.
Comment: This sequence change replaces glycine, which is neutral and non-polar, with arginine, which is basic and polar, at codon 255 of the CHST14 protein (p.Gly255Arg). This variant is not present in population databases (gnomAD no frequency). This variant has not been reported in the literature in individuals affected with CHST14-related conditions. ClinVar contains an entry for this variant (Variation ID: 1471370). Advanced modeling of protein sequence and biophysical properties (such as structural, functional, and spatial information, amino acid conservation, physicochemical variation, residue mobility, and thermodynamic stability) performed at Invitae indicates that this missense variant is not expected to disrupt CHST14 protein function. In summary, the available evidence is currently insufficient to determine the role of this variant in disease. Therefore, it has been classified as a Variant of Uncertain Significance.